The following is an entry in ClinVar:

ClinVar aggregate classification (germline): Uncertain significance. Review status: criteria provided, multiple submitters, no conflicts (2 of 4 stars). 3 submissions from 3 submitters: Uncertain significance (3). Last evaluated 2024-09-09.

Conditions:
Left ventricular noncompaction 1 (LVNC1). Also called: LEFT VENTRICULAR NONCOMPACTION 1 WITH OR WITHOUT CONGENITAL HEART DEFECTS. Identifiers: Orphanet 54260, MedGen C1858725, MONDO:0011403, OMIM 604169.

Allele frequency attached by ClinVar (database versions not stated): TOPMed below 0.00001; ExAC 0.00001; gnomAD exomes 0.00003.
gnomAD v4.1: 39 of 1,614,160 alleles (0.0024%); highest among the groups gnomAD compares: Non-Finnish European, 0.0031%; no homozygotes.

Submissions (3):

Blueprint Genetics
Classification: Uncertain significance. Last evaluated: 2024-09-09. Review status: criteria provided, single submitter. Criteria: ACMG Guidelines, 2015. Collection method: clinical testing. Allele origin: germline.

Women's Health and Genetics/Laboratory Corporation of America, LabCorp
Classification: Uncertain significance. Last evaluated: 2023-05-02. Review status: criteria provided, single submitter. Criteria: LabCorp Variant Classification Summary - May 2015. Collection method: clinical testing. Allele origin: germline.
Comment: Variant summary: DTNA c.1480C>T (p.Arg494Trp) results in a non-conservative amino acid change in the encoded protein sequence. Five of five in-silico tools predict a damaging effect of the variant on protein function. The variant allele was found at a frequency of 8e-06 in 250400 control chromosomes. The available data on variant occurrences in the general population are insufficient to allow any conclusion about variant significance. To our knowledge, no occurrence of c.1480C>T in individuals affected with Left Ventricular Noncompaction and no experimental evidence demonstrating its impact on protein function have been reported, although a computational study suggested the variant may result in less intrinsic disorder in the alpha-dystrobrevin protein (e.g. Na_2013). The following publication was ascertained in the context of this evaluation (PMID: 24014171). One clinical diagnostic laboratory has submitted clinical-significance assessments for this variant to ClinVar after 2014 and classified the variant as uncertain significance. Based on the evidence outlined above, the variant was classified as uncertain significance.

Center for Genomics, Ann and Robert H. Lurie Children's Hospital of Chicago
Classification: Uncertain significance for Left ventricular noncompaction 1. Last evaluated: 2021-03-30. Review status: criteria provided, single submitter. Criteria: ACMG Guidelines, 2015. Collection method: clinical testing. Allele origin: germline.
Comment: DTNA NM_001390.4 exon 21 p.Arg494Trp (c.1480C>T): This variant has not been reported in the literature and is present in 0.001% (2/112718) of European alleles in the Genome Aggregation Database. Evolutionary conservation and computational predictive tools suggest that this variant may impact the protein. In summary, data on this variant is insufficient for disease classification. Therefore, the clinical significance of this variant is uncertain.

Literature cited by the submitters: PubMed 24014171 (cited by Women's Health and Genetics/Laboratory Corporation of America, LabCorp).

NM_001386795.1(DTNA):c.1561C>T (p.Arg521Trp)

Gene: DTNA (dystrobrevin alpha; plus strand). Cytogenetic location: 18q12.1.
Variant type: single nucleotide variant.
Coding change: c.1561C>T on transcript NM_001386795.1 (MANE Select); coding-DNA position 1561, C replaced by T.
Protein change: p.Arg521Trp; replaces arginine 521 with tryptophan.
Molecular consequence: missense variant.
Genome position (GRCh38, 1-based): chr18:34,858,313, C>T. VCF-style: chr18-34858313-C-T. GRCh37 (hg19) VCF-style: chr18-32438277-C-T.
Other names: c.1480C>T (NM_001390.4); c.1300C>T, p.Arg434Trp (NM_001198938.2, NM_001198939.2, NM_001198940.2 and 9 more transcripts); c.607C>T, p.Arg203Trp (NM_001198942.1); c.550C>T, p.Arg184Trp (NM_001198943.1); c.436C>T, p.Arg146Trp (NM_001198944.1); c.730C>T, p.Arg244Trp (NM_001198945.2); c.1390C>T, p.Arg464Trp (NM_001386754.1, NM_001386755.1, NM_001386756.1 and 4 more transcripts); c.1387C>T, p.Arg463Trp (NM_001386760.1); and 8 more; short protein forms R116W, R142W, R146W, R184W, R203W, R244W, R433W, R434W.
Identifiers: ClinVar variation 2500023 (VCV002500023.3), dbSNP rs764410940, ClinGen allele CA8935757.